The following is an entry in ClinVar:

ClinVar aggregate classification (germline): Likely benign (1 of 4 stars; one submission).

Submission:

CeGaT Center for Human Genetics Tuebingen
Classification: Likely benign. Last evaluated: 2026-01-01. Review status: criteria provided, single submitter. Criteria: CeGaT Center For Human Genetics Tuebingen Variant Classification Criteria Version 2. Collection method: clinical testing. Allele origin: germline. Affected: yes. Observed: 1 variant allele.
Comment: SPATA31D4: BP4, BP7

NM_001145197.1(SPATA31D4):c.2184A>G (p.Pro728=)

Genes: SPATA31D4 (SPATA31 subfamily D member 4; plus strand), LOC105376105 (uncharacterized LOC105376105; minus strand). Cytogenetic location: 9q21.32.
Variant type: single nucleotide variant.
Coding change: c.2184A>G on transcript NM_001145197.1 (MANE Select); coding-DNA position 2184, A replaced by G.
Protein change: p.Pro728=; no amino-acid change (proline 728 retained).
Molecular consequence: synonymous variant.
Genome position (GRCh38, 1-based): chr9:81,932,345, A>G. VCF-style: chr9-81932345-A-G. GRCh37 (hg19) VCF-style: chr9-84547260-A-G.
Identifiers: ClinVar variation 4822162 (VCV004822162.4).